The following is an entry in ClinVar:

ClinVar aggregate classification (germline): Uncertain significance. Review status: criteria provided, multiple submitters, no conflicts (2 of 4 stars). 7 submissions from 7 submitters: Uncertain significance (6). 1 of the submissions does not count toward it. Last evaluated 2026-01-16.

Conditions:
Inborn genetic diseases. Identifiers: MedGen C0950123, MeSH D030342.

Allele frequency attached by ClinVar (database versions not stated): gnomAD exomes 0.00015; TOPMed 0.00017; gnomAD 0.00018 and 0.00016; 1000 Genomes Project 0.00020; ExAC 0.00012; ESP Exome Variant Server 0.00015; 1000 Genomes Project 30x 0.00016.
gnomAD v4.1: 430 of 1,614,270 alleles (0.027%); highest among the groups gnomAD compares: Non-Finnish European, 0.035%; no homozygotes.

Submissions (7):

Labcorp Genetics (formerly Invitae), Labcorp
Classification: Uncertain significance. Last evaluated: 2026-01-16. Review status: criteria provided, single submitter. Criteria: Invitae Variant Classification Sherloc (09022015). Collection method: clinical testing. Allele origin: germline.
Comment: This sequence change replaces glutamic acid, which is acidic and polar, with glutamine, which is neutral and polar, at codon 451 of the CACNA1D protein (p.Glu451Gln). This variant is present in population databases (rs200910800, gnomAD 0.03%). This variant has not been reported in the literature in individuals affected with CACNA1D-related conditions. ClinVar contains an entry for this variant (Variation ID: 228464). Invitae Evidence Modeling of protein sequence and biophysical properties (such as structural, functional, and spatial information, amino acid conservation, physicochemical variation, residue mobility, and thermodynamic stability) indicates that this missense variant is not expected to disrupt CACNA1D protein function with a negative predictive value of 80%. In summary, the available evidence is currently insufficient to determine the role of this variant in disease. Therefore, it has been classified as a Variant of Uncertain Significance.

GeneDx
Classification: Uncertain significance. Last evaluated: 2025-11-12. Review status: criteria provided, single submitter. Criteria: GeneDx Variant Classification Process June 2021. Collection method: clinical testing. Allele origin: germline. Affected: yes.
Comment: In silico analysis supports that this missense variant has a deleterious effect on protein structure/function; Has not been previously published as pathogenic or benign to our knowledge

Dasa
Classification: Uncertain significance. Last evaluated: 2025-10-14. Review status: criteria provided, single submitter. Criteria: DASA Assertion Criteria. Collection method: clinical testing. Allele origin: germline.
Comment: NM_001128840.3(CACNA1D):c.1351G>C (p.Glu451Gln) is a missense variant that results in the substitution of glutamic acid with glutamine. This variant is rare in population databases. The currently available literature and clinical evidence are not sufficient to establish a definitive association between this variant and the reported condition. Therefore, this variant is classified as a variant of uncertain significance.

Revvity Omics, Revvity
Classification: Uncertain significance. Last evaluated: 2022-08-24. Review status: criteria provided, single submitter. Criteria: ACMG Guidelines, 2015. Collection method: clinical testing. Allele origin: germline.

Ambry Genetics
Classification: Uncertain significance for Inborn genetic diseases. Last evaluated: 2021-07-15. Review status: criteria provided, single submitter. Criteria: Ambry Variant Classification Scheme 2023. Collection method: clinical testing. Allele origin: germline.

Laboratory for Molecular Medicine, Mass General Brigham Personalized Medicine
Classification: Uncertain significance. Last evaluated: 2015-07-16. Review status: criteria provided, single submitter. Criteria: LMM Criteria. Collection method: clinical testing. Allele origin: germline. Observed: 1 variant allele.
Comment: The p.Glu451Gln variant in CACNA1D has not been previously reported in individua ls with hearing loss, but has been identified in 12/66694 European chromosomes b y the Exome Aggregation Consortium (ExAC; dbSNP rs200910800). Although this variant has been seen in the general population, its frequency is not high enough to rule out a pathogenic role. Computational predi ction tools and conservation analysis do not provide strong support for or again st an impact to the protein. In summary, the clinical significance of the p.Glu4 51Gln variant is uncertain.

Department of Pathology and Laboratory Medicine, Sinai Health System
Classification: Uncertain significance. Review status: no assertion criteria provided. Collection method: clinical testing. Allele origin: unknown. Affected: yes. Study: The Canadian Open Genetics Repository (COGR). Not counted in ClinVar's aggregate classification.
Comment: The CACNA1D p.Glu451Gln variant was not identified in the literature nor was it identified in Cosmic. The variant was identified in dbSNP (ID: rs200910800), LOVD 3.0 and ClinVar (classified as a VUS by Laboratory for Molecular Medicine). The variant was identified in control databases in 42 of 282848 chromosomes at a frequency of 0.000148 (Genome Aggregation Database Feb 27, 2017). The variant was observed in the following populations: European (non-Finnish) in 39 of 129154 chromosomes (freq: 0.000302), Other in 1 of 7222 chromosomes (freq: 0.000139) and African in 2 of 24972 chromosomes (freq: 0.00008), while the variant was not observed in the Latino, Ashkenazi Jewish, East Asian, European (Finnish) or South Asian populations. The variant occurs outside of the splicing consensus sequence and 2 of 4 in silico or computational prediction software programs (SpliceSiteFinder, MaxEntScan, NNSPLICE, GeneSplicer) predict a greater than 10% difference in splicing; this is not very predictive of pathogenicity. The p.Glu451 residue is conserved in mammals and computational analyses (PolyPhen-2, SIFT, AlignGVGD, BLOSUM, MutationTaster) provide inconsistent predictions regarding the impact to the protein; this information is not very predictive of pathogenicity. In summary, based on the above information the clinical significance of this variant cannot be determined with certainty at this time. This variant is classified as a variant of uncertain significance.

NM_001128840.3(CACNA1D):c.1351G>C (p.Glu451Gln)

Gene: CACNA1D (calcium voltage-gated channel subunit alpha1 D; plus strand). Cytogenetic location: 3p21.1.
Variant type: single nucleotide variant.
Coding change: c.1351G>C on transcript NM_001128840.3 (MANE Select); coding-DNA position 1351, G replaced by C.
Protein change: p.Glu451Gln; replaces glutamic acid 451 with glutamine.
Molecular consequence: missense variant.
Genome position (GRCh38, 1-based): chr3:53,702,771, G>C. VCF-style: chr3-53702771-G-C. GRCh37 (hg19) VCF-style: chr3-53736798-G-C.
Other names: c.1351G>C, p.Glu451Gln (NM_000720.4, NM_001128839.3); short protein forms E451Q.
Identifiers: ClinVar variation 228464 (VCV000228464.19), dbSNP rs200910800, ClinGen allele CA2453894.
Genomic context (GRCh38, chr3:53,702,771, plus strand): 5'-CTGGAGGAGGATCTAAAGGGCTACTTGGATTGGATCACCCAAGCTGAGGACATCGATCCG[G>C]AGAATGAGGAAGAAGGAGGAGAGGAAGGCAAACGAAATAGTATGTAGCGCCTTTCCTGCC-3'
Protein context (NP_001122312.1, residues 441-461): WITQAEDIDP[Glu451Gln]NEEEGGEEGK